The following is an entry in ClinVar:

ClinVar aggregate classification (germline): Uncertain significance (1 of 4 stars; one submission).

Conditions:
Dilated cardiomyopathy 1JJ (CMD1JJ). Identifiers: Orphanet 154, MedGen C3808935, MONDO:0014095, OMIM 615235.

gnomAD v4.1: 2 of 1,613,144 alleles (0.00012%); highest among the groups gnomAD compares: Non-Finnish European, 0.00017%; no homozygotes.

Submission:

Labcorp Genetics (formerly Invitae), Labcorp
Classification: Uncertain significance for Dilated cardiomyopathy 1JJ. Last evaluated: 2019-12-25. Review status: criteria provided, single submitter. Criteria: Invitae Variant Classification Sherloc (09022015). Collection method: clinical testing. Allele origin: germline.
Comment: In summary, the available evidence is currently insufficient to determine the role of this variant in disease. Therefore, it has been classified as a Variant of Uncertain Significance. Algorithms developed to predict the effect of missense changes on protein structure and function (SIFT, PolyPhen-2, Align-GVGD) all suggest that this variant is likely to be disruptive, but these predictions have not been confirmed by published functional studies and their clinical significance is uncertain. This variant has not been reported in the literature in individuals with LAMA4-related conditions. This variant is not present in population databases (ExAC no frequency). This sequence change replaces glycine with arginine at codon 1234 of the LAMA4 protein (p.Gly1234Arg). The glycine residue is highly conserved and there is a moderate physicochemical difference between glycine and arginine.

NM_001105206.3(LAMA4):c.3721G>A (p.Gly1241Arg)

Gene: LAMA4 (laminin subunit alpha 4; minus strand). Cytogenetic location: 6q21.
Variant type: single nucleotide variant.
Coding change: c.3721G>A on transcript NM_001105206.3 (MANE Select); coding-DNA position 3721, G replaced by A.
Protein change: p.Gly1241Arg; replaces glycine 1241 with arginine.
Molecular consequence: missense variant.
Genome position (GRCh38, 1-based): chr6:112,132,866, C>T on the plus strand (G>A on the coding strand, the complement: LAMA4 is on the minus strand). VCF-style: chr6-112132866-C-T. GRCh37 (hg19) VCF-style: chr6-112454068-C-T.
Other names: c.3700G>A, p.Gly1234Arg (NM_001105207.3, NM_002290.5); short protein forms G1234R, G1241R.
Identifiers: ClinVar variation 857530 (VCV000857530.10), dbSNP rs1779121239, ClinGen allele CA365375206.
Genomic context (GRCh38, chr6:112,132,866, plus strand): 5'-AACCTCCTTCAAAGCCATCAAAGAAAGATATTTTCTGAATTGAAGCAATGAAGCTCTGTC[C>T]ATTGAAATATGCTCTGCGAGATATCTGTGTGCCAGAACAAGTGGAGATAGTGTTTTTGAG-3'
Protein context (NP_001098676.2, residues 1231-1251): SLISRRAYFN[Gly1241Arg]QSFIASIQKI